The following is an entry in ClinVar:

NM_000548.5(TSC2):c.600-8C>G

Gene: TSC2 (TSC complex subunit 2; plus strand). Cytogenetic location: 16p13.3.
Variant type: single nucleotide variant.
Coding change: c.600-8C>G on transcript NM_000548.5 (MANE Select); 8 bases into the intron before coding-DNA position 600, C replaced by G.
Molecular consequence: intron variant.
Genome position (GRCh38, 1-based): chr16:2,056,188, C>G. VCF-style: chr16-2056188-C-G. GRCh37 (hg19) VCF-style: chr16-2106189-C-G.
Other names: c.-9C>G (NM_001406680.1, NM_001406683.1, NM_001406687.1); c.-840C>G (NM_001406693.1); c.600-8C>G (NM_001114382.3, NM_021055.3, NM_001370405.1 and 3 more transcripts); c.489-8C>G (NM_001318827.2); c.-1-8C>G (NM_001318831.2); c.453-8C>G (NM_001318829.2); c.633-8C>G (NM_001318832.2).
Identifiers: ClinVar variation 2031524 (VCV002031524.4), dbSNP rs755164905, ClinGen allele CA394310484.

ClinVar aggregate classification (germline): Uncertain significance (1 of 4 stars; one submission).

Conditions:
Tuberous sclerosis 2 (TSC2). Identifiers: Orphanet 805, MedGen C1860707, MONDO:0013199, OMIM 613254.

Submission:

Labcorp Genetics (formerly Invitae), Labcorp
Classification: Uncertain significance for Tuberous sclerosis 2. Last evaluated: 2024-05-29. Review status: criteria provided, single submitter. Criteria: Invitae Variant Classification Sherloc (09022015). Collection method: clinical testing. Allele origin: germline.
Comment: This sequence change falls in intron 6 of the TSC2 gene. It does not directly change the encoded amino acid sequence of the TSC2 protein. This variant is not present in population databases (gnomAD no frequency). This variant has not been reported in the literature in individuals affected with TSC2-related conditions. ClinVar contains an entry for this variant (Variation ID: 2031524). Algorithms developed to predict the effect of sequence changes on RNA splicing suggest that this variant may disrupt the consensus splice site. In summary, the available evidence is currently insufficient to determine the role of this variant in disease. Therefore, it has been classified as a Variant of Uncertain Significance.